The following is an entry in ClinVar:

ClinVar aggregate classification (germline): Conflicting classifications of pathogenicity. Review status: criteria provided, conflicting classifications (1 of 4 stars). 4 submissions from 4 submitters: Pathogenic (1); Likely pathogenic (2); Uncertain significance (1). Last evaluated 2022-11-28.

Conditions:
Seizures, benign familial infantile, 3 (BFIS3). Also called: CONVULSIONS, BENIGN FAMILIAL INFANTILE, 3; Familial neonatal seizures. Identifiers: Orphanet 140927, Orphanet 306, MedGen C1843140, MONDO:0011904, OMIM 607745.
Developmental and epileptic encephalopathy, 11 (DEE11). Also called: Early infantile epileptic encephalopathy 11. Identifiers: Orphanet 1934, MedGen C3150987, MONDO:0013388, OMIM 613721.

Submissions (4):

Labcorp Genetics (formerly Invitae), Labcorp
Classification: Pathogenic for Seizures, benign familial infantile, 3; Developmental and epileptic encephalopathy, 11. Last evaluated: 2022-11-28. Review status: criteria provided, single submitter. Criteria: Invitae Variant Classification Sherloc (09022015). Collection method: clinical testing. Allele origin: germline.
Comment: This sequence change replaces methionine, which is neutral and non-polar, with threonine, which is neutral and polar, at codon 925 of the SCN2A protein (p.Met925Thr). This variant is not present in population databases (gnomAD no frequency). This missense change has been observed in individual(s) with childhood epilepsy and/or epileptic encephalopathy with cerebellar atrophy (PMID: 29720203, 34894057; Invitae). In at least one individual the variant was observed to be de novo. ClinVar contains an entry for this variant (Variation ID: 373364). Advanced modeling of protein sequence and biophysical properties (such as structural, functional, and spatial information, amino acid conservation, physicochemical variation, residue mobility, and thermodynamic stability) performed at Invitae indicates that this missense variant is expected to disrupt SCN2A protein function. For these reasons, this variant has been classified as Pathogenic.

HudsonAlpha Institute for Biotechnology
Classification: Likely pathogenic for Developmental and epileptic encephalopathy, 11. Last evaluated: 2020-02-28. Review status: criteria provided, single submitter. Criteria: ACMG Guidelines, 2015. Collection method: research. Allele origin: de novo. Affected: yes. Observed: 1 variant allele. Study: CSER-SouthSeq.
Comment: ACMG codes: PS2, PM2, PP3

Revvity Omics, Revvity
Classification: Uncertain significance. Last evaluated: 2019-12-10. Review status: criteria provided, single submitter. Criteria: ACMG Guidelines, 2015. Collection method: clinical testing. Allele origin: germline.

GeneDx
Classification: Likely pathogenic. Last evaluated: 2016-11-28. Review status: criteria provided, single submitter. Criteria: GeneDx Variant Classification (06012015). Collection method: clinical testing. Allele origin: germline. Affected: yes.
Comment: A novel M925T variant that is likely pathogenic has been identified in the SCN2A gene. The M925T variant has not been published as a pathogenic variant, nor has it been reported as a benign variant to our knowledge. It was not observed in approximately 6,500 individuals of European and African American ancestry in the NHLBI Exome Sequencing Project, indicating it is not a common benign variant in these populations. The M925T variant is a non-conservative amino acid substitution, which is likely to impact secondary protein structure as these residues differ in polarity, charge, size and/or other properties. This substitution occurs at a conserved position predicted to be within the pore forming loop between the S5 and S6 transmembrane segments of the second homologous domain. In silico analysis predicts this variant is probably damaging to the protein structure/function. Therefore, this variant is likely pathogenic; however, the possibility that it is benign cannot be excluded.

Literature cited by the submitters: PubMed 29720203 (cited by Labcorp Genetics (formerly Invitae), Labcorp); PubMed 34894057 (cited by Labcorp Genetics (formerly Invitae), Labcorp).

NM_001040142.2(SCN2A):c.2774T>C (p.Met925Thr)

Gene: SCN2A (sodium voltage-gated channel alpha subunit 2; plus strand). Cytogenetic location: 2q24.3.
Variant type: single nucleotide variant.
Coding change: c.2774T>C on transcript NM_001040142.2 (MANE Select); coding-DNA position 2774, T replaced by C.
Protein change: p.Met925Thr; replaces methionine 925 with threonine.
Molecular consequence: missense variant.
Genome position (GRCh38, 1-based): chr2:165,344,766, T>C. VCF-style: chr2-165344766-T-C. GRCh37 (hg19) VCF-style: chr2-166201276-T-C.
Other names: c.2774T>C, p.Met925Thr (NM_001040143.2, NM_001371246.1, NM_001371247.1 and 1 more transcripts); short protein forms M925T.
Identifiers: ClinVar variation 373364 (VCV000373364.9), dbSNP rs1057518373, ClinGen allele CA16042355.